The following is an entry in ClinVar:

NM_001277115.2(DNAH11):c.2606dup (p.Leu869fs)

Gene: DNAH11 (dynein axonemal heavy chain 11; plus strand). Cytogenetic location: 7p15.3.
Variant type: Duplication.
Coding change: c.2606dup on transcript NM_001277115.2 (MANE Select); coding-DNA position 2606, one base duplicated (T; older notation c.2606dupT).
Protein change: p.Leu869fs; shifts the reading frame from leucine 869.
Molecular consequence: frameshift variant.
Genome position (GRCh38, 1-based): chr7:21,591,516, T duplicated; the last of 3 consecutive T bases (chr7:21,591,514-21,591,516); duplicating any one gives the same sequence. VCF-style (leftmost placement, unchanged base first): chr7-21591513-A-AT. GRCh37 (hg19) VCF-style: chr7-21631131-A-AT.
Other names: c.2606dup, p.Leu869Phefs (NM_003777.3); short protein forms L869fs.
Identifiers: ClinVar variation 2702926 (VCV002702926.3), dbSNP rs2534599431, ClinGen allele CA2697557186.

ClinVar aggregate classification (germline): Pathogenic (1 of 4 stars; one submission).

Conditions:
Primary ciliary dyskinesia. Also called: Ciliary dyskinesia. Identifiers: Orphanet 244, MedGen C0008780, MONDO:0016575, HP:0012265.

Submission:

Labcorp Genetics (formerly Invitae), Labcorp
Classification: Pathogenic for Primary ciliary dyskinesia. Last evaluated: 2023-12-13. Review status: criteria provided, single submitter. Criteria: Invitae Variant Classification Sherloc (09022015). Collection method: clinical testing. Allele origin: germline.
Comment: This sequence change creates a premature translational stop signal (p.Leu869Phefs*24) in the DNAH11 gene. It is expected to result in an absent or disrupted protein product. Loss-of-function variants in DNAH11 are known to be pathogenic (PMID: 18022865, 20513915, 22184204). This variant is not present in population databases (gnomAD no frequency). This variant has not been reported in the literature in individuals affected with DNAH11-related conditions. For these reasons, this variant has been classified as Pathogenic.

Literature cited by the submitters: PubMed 18022865; PubMed 20513915; PubMed 22184204.